The following is an entry in ClinVar:

NM_001009999.3(KDM1A):c.746T>C (p.Leu249Pro)

Gene: KDM1A (lysine demethylase 1A; plus strand). Cytogenetic location: 1p36.12.
Variant type: single nucleotide variant.
Coding change: c.746T>C on transcript NM_001009999.3 (MANE Select); coding-DNA position 746, T replaced by C.
Protein change: p.Leu249Pro; replaces leucine 249 with proline.
Molecular consequence: missense variant.
Genome position (GRCh38, 1-based): chr1:23,053,795, T>C. VCF-style: chr1-23053795-T-C. GRCh37 (hg19) VCF-style: chr1-23380288-T-C.
Other names: c.686T>C, p.Leu229Pro (NM_001363654.2, NM_001410763.1, NM_015013.4); c.746T>C, p.Leu249Pro (NM_001410762.1); short protein forms L229P, L249P.
Identifiers: ClinVar variation 4042079 (VCV004042079.1).

ClinVar aggregate classification (germline): Uncertain significance (1 of 4 stars; one submission).

Conditions:
Inborn genetic diseases. Identifiers: MedGen C0950123, MeSH D030342.

Submission:

Ambry Genetics
Classification: Uncertain significance for Inborn genetic diseases. Last evaluated: 2025-04-03. Review status: criteria provided, single submitter. Criteria: Ambry Variant Classification Scheme 2023. Collection method: clinical testing. Allele origin: germline.
Comment: The p.L249P variant (also known as c.746T>C), located in coding exon 5 of the KDM1A gene, results from a T to C substitution at nucleotide position 746. The leucine at codon 249 is replaced by proline, an amino acid with similar properties. This amino acid position is conserved. In addition, this alteration is predicted to be deleterious by in silico analysis. Based on the available evidence, the clinical significance of this variant remains unclear.